The following is an entry in ClinVar:

NM_001170535.3(ATAD3A):c.712C>T (p.Arg238Cys)

Gene: ATAD3A (ATPase family AAA domain containing 3A; plus strand). Cytogenetic location: 1p36.33.
Variant type: single nucleotide variant.
Coding change: c.712C>T on transcript NM_001170535.3 (MANE Select); coding-DNA position 712, C replaced by T.
Protein change: p.Arg238Cys; replaces arginine 238 with cysteine.
Molecular consequence: missense variant.
Genome position (GRCh38, 1-based): chr1:1,520,579, C>T. VCF-style: chr1-1520579-C-T. GRCh37 (hg19) VCF-style: chr1-1455959-C-T.
Other names: c.475C>T, p.Arg159Cys (NM_001170536.3); c.856C>T, p.Arg286Cys (NM_018188.5); short protein forms R159C, R238C, R286C.
Identifiers: ClinVar variation 3776687 (VCV003776687.1).

ClinVar aggregate classification (germline): Uncertain significance (1 of 4 stars; one submission).

gnomAD v4.1: 98 of 1,613,736 alleles (0.0061%); highest among the groups gnomAD compares: African/African-American, 0.0093%; no homozygotes.

Submission:

GeneDx
Classification: Uncertain significance. Last evaluated: 2024-10-07. Review status: criteria provided, single submitter. Criteria: GeneDx Variant Classification Process June 2021. Collection method: clinical testing. Allele origin: germline. Affected: yes.
Comment: In silico analysis supports that this missense variant has a deleterious effect on protein structure/function; Has not been previously published as pathogenic or benign to our knowledge